The following is an entry in ClinVar:

ClinVar aggregate classification (germline): Likely benign (0 of 4 stars; one submission).

Conditions:
VPS13B-related disorder. Also called: VPS13B-related condition.

Submission:

PreventionGenetics, part of Exact Sciences
Classification: Likely benign for VPS13B-related condition. Last evaluated: 2022-05-17. Review status: no assertion criteria provided. Collection method: clinical testing. Allele origin: germline.
Comment: This variant is classified as likely benign based on ACMG/AMP sequence variant interpretation guidelines (Richards et al. 2015 PMID: 25741868, with internal and published modifications).

NM_152564.5(VPS13B):c.9331-7_9331-3del

Gene: VPS13B (vacuolar protein sorting 13 homolog B; plus strand). Cytogenetic location: 8q22.2.
Variant type: Deletion.
Coding change: c.9331-7_9331-3del on transcript NM_152564.5 (MANE Select); 7 bases into the intron before coding-DNA position 9331 through 3 bases into the intron before coding-DNA position 9331, 5 bases deleted (TTTTT; older notation c.9331-7_9331-3delTTTTT).
Molecular consequence: intron variant.
Genome position (GRCh38, 1-based): chr8:99,832,362-99,832,366, TTTTT deleted; deleting any 5 consecutive bases within chr8:99,832,342-99,832,366 gives the same sequence; the c. name uses the placement nearest the transcript's 3' end. VCF-style (leftmost placement, unchanged base first): chr8-99832341-ATTTTT-A. GRCh37 (hg19) VCF-style: chr8-100844569-ATTTTT-A.
Other names: c.9406-7_9406-3del (NM_017890.5).
Identifiers: ClinVar variation 3056702 (VCV003056702.2), dbSNP rs370235149, ClinGen allele CA857608629.
Genomic context (GRCh38, chr8:99,832,341, plus strand): 5'-AGAAGATATGCTTTAAAAAGTTTAATTCTGCTGTATTACTGTAGCTAATGTGCTCTCTGC[ATTTTT>A]TTTTTTTTTTTTTTTTTTTTAGTATTTTCGTGTTCCAGACAGTGCTACTTTTAGCATTTG-3'